The following is an entry in ClinVar:

ClinVar aggregate classification (germline): Uncertain significance (1 of 4 stars; one submission).

Submission:

GeneDx
Classification: Uncertain significance. Last evaluated: 2022-04-18. Review status: criteria provided, single submitter. Criteria: GeneDx Variant Classification Process June 2021. Collection method: clinical testing. Allele origin: germline. Affected: yes.
Comment: Not observed at significant frequency in large population cohorts (gnomAD); In silico analysis supports that this missense variant does not alter protein structure/function; Has not been previously published as pathogenic or benign to our knowledge

NM_001375524.1(TRRAP):c.7730A>C (p.Gln2577Pro)

Gene: TRRAP (transformation/transcription domain associated protein; plus strand). Cytogenetic location: 7q22.1.
Variant type: single nucleotide variant.
Coding change: c.7730A>C on transcript NM_001375524.1 (MANE Select); coding-DNA position 7730, A replaced by C.
Protein change: p.Gln2577Pro; replaces glutamine 2577 with proline.
Molecular consequence: missense variant.
Genome position (GRCh38, 1-based): chr7:98,971,836, A>C. VCF-style: chr7-98971836-A-C. GRCh37 (hg19) VCF-style: chr7-98569459-A-C.
Other names: c.7709A>C, p.Gln2570Pro (NM_001244580.2); c.7655A>C, p.Gln2552Pro (NM_003496.4); short protein forms Q2552P, Q2570P, Q2577P.
Identifiers: ClinVar variation 1712196 (VCV001712196.2), dbSNP rs2484931616, ClinGen allele CA368298118.